The following is an entry in ClinVar:

ClinVar aggregate classification (germline): Uncertain significance (1 of 4 stars; one submission).

Conditions:
BRF1-related disorder. Also called: BRF1-related condition.

gnomAD v4.1: 1 of 1,612,600 alleles (0.000062%); highest among the groups gnomAD compares: Non-Finnish European, 0.000085%; no homozygotes.

Submission:

PreventionGenetics, part of Exact Sciences
Classification: Uncertain significance for BRF1-related condition. Last evaluated: 2026-02-16. Review status: criteria provided, single submitter. Criteria: ACMG Guidelines, 2015. Collection method: clinical testing. Allele origin: germline.
Comment: The BRF1 c.1978C>T variant is predicted to result in premature protein termination (p.Gln660*). To our knowledge, this variant has not been reported in the literature or in a large population database (gnomAD), indicating this variant is rare. Although we suspect that this variant may be pathogenic, at this time, the clinical significance of this variant is uncertain due to the absence of conclusive functional and genetic evidence.

NM_001519.4(BRF1):c.1978C>T (p.Gln660Ter)

Gene: BRF1 (BRF1 general transcription factor IIIB subunit; minus strand). Cytogenetic location: 14q32.33.
Variant type: single nucleotide variant.
Coding change: c.1978C>T on transcript NM_001519.4 (MANE Select); coding-DNA position 1978, C replaced by T.
Protein change: p.Gln660Ter; replaces glutamine 660 with a stop codon.
Molecular consequence: nonsense.
Genome position (GRCh38, 1-based): chr14:105,211,140, G>A on the plus strand (C>T on the coding strand, the complement: BRF1 is on the minus strand). VCF-style: chr14-105211140-G-A. GRCh37 (hg19) VCF-style: chr14-105677477-G-A.
Other names: c.1699C>T, p.Gln567Ter (NM_001242786.2); c.1633C>T, p.Gln545Ter (NM_001242787.2); c.1897C>T, p.Gln633Ter (NM_001242788.2); c.1264C>T, p.Gln422Ter (NM_001242789.2); c.1975C>T, p.Gln659Ter (NM_001440449.1); c.1828C>T, p.Gln610Ter (NM_001440450.1); c.1483C>T, p.Gln495Ter (NM_001440451.1); c.1465C>T, p.Gln489Ter (NM_001440452.1); and 3 more; short protein forms Q659*, Q422*, Q438*, Q489*, Q495*, Q545*, Q633*, Q660*.
Identifiers: ClinVar variation 4995644 (VCV004995644.1).